The following is an entry in ClinVar:

NM_003737.4(DCHS1):c.9554G>A (p.Arg3185Gln)

Gene: DCHS1 (dachsous cadherin-related 1; minus strand). Cytogenetic location: 11p15.4.
Variant type: single nucleotide variant.
Coding change: c.9554G>A on transcript NM_003737.4 (MANE Select); coding-DNA position 9554, G replaced by A.
Protein change: p.Arg3185Gln; replaces arginine 3185 with glutamine.
Molecular consequence: missense variant.
Genome position (GRCh38, 1-based): chr11:6,622,122, C>T on the plus strand (G>A on the coding strand, the complement: DCHS1 is on the minus strand). VCF-style: chr11-6622122-C-T. GRCh37 (hg19) VCF-style: chr11-6643353-C-T.
Other names: c.9554G>A (NM_003737.2); short protein forms R3185Q.
Identifiers: ClinVar variation 1302092 (VCV001302092.9), dbSNP rs779058249, ClinGen allele CA5859229.

ClinVar aggregate classification (germline): Uncertain significance. Review status: criteria provided, multiple submitters, no conflicts (2 of 4 stars). 3 submissions from 3 submitters: Uncertain significance (3). Last evaluated 2025-09-07.

Conditions:
Inborn genetic diseases. Identifiers: MedGen C0950123, MeSH D030342.

Allele frequency attached by ClinVar (database versions not stated): gnomAD 0.00001; ExAC 0.00002; gnomAD exomes 0.00002 and 0.00004; TOPMed 0.00002.
gnomAD v4.1: 41 of 1,613,028 alleles (0.0025%); highest among the groups gnomAD compares: East Asian, 0.0067%; no homozygotes.

Submissions (3):

Labcorp Genetics (formerly Invitae), Labcorp
Classification: Uncertain significance. Last evaluated: 2025-09-07. Review status: criteria provided, single submitter. Criteria: Invitae Variant Classification Sherloc (09022015). Collection method: clinical testing. Allele origin: germline.
Comment: This sequence change replaces arginine, which is basic and polar, with glutamine, which is neutral and polar, at codon 3185 of the DCHS1 protein (p.Arg3185Gln). This variant is present in population databases (rs779058249, gnomAD 0.02%). This variant has not been reported in the literature in individuals affected with DCHS1-related conditions. ClinVar contains an entry for this variant (Variation ID: 1302092). Invitae Evidence Modeling of protein sequence and biophysical properties (such as structural, functional, and spatial information, amino acid conservation, physicochemical variation, residue mobility, and thermodynamic stability) indicates that this missense variant is not expected to disrupt DCHS1 protein function with a negative predictive value of 95%. In summary, the available evidence is currently insufficient to determine the role of this variant in disease. Therefore, it has been classified as a Variant of Uncertain Significance.

Ambry Genetics
Classification: Uncertain significance for Inborn genetic diseases. Last evaluated: 2025-08-25. Review status: criteria provided, single submitter. Criteria: Ambry Variant Classification Scheme 2023. Collection method: clinical testing. Allele origin: germline.

GeneDx
Classification: Uncertain significance. Last evaluated: 2019-05-10. Review status: criteria provided, single submitter. Criteria: GeneDx Variant Classification Process June 2021. Collection method: clinical testing. Allele origin: germline. Affected: yes.
Comment: In silico analysis, which includes protein predictors and evolutionary conservation, supports that this variant does not alter protein structure/function; Has not been previously published as pathogenic or benign to our knowledge